The following is an entry in ClinVar:

NM_000512.5(GALNS):c.848T>C (p.Val283Ala)

Gene: GALNS (galactosamine (N-acetyl)-6-sulfatase; minus strand). Cytogenetic location: 16q24.3.
Variant type: single nucleotide variant.
Coding change: c.848T>C on transcript NM_000512.5 (MANE Select); coding-DNA position 848, T replaced by C.
Protein change: p.Val283Ala; replaces valine 283 with alanine.
Molecular consequence: missense variant.
Genome position (GRCh38, 1-based): chr16:88,835,263, A>G on the plus strand (T>C on the coding strand, the complement: GALNS is on the minus strand). VCF-style: chr16-88835263-A-G. GRCh37 (hg19) VCF-style: chr16-88901671-A-G.
Other names: c.293T>C, p.Val98Ala (NM_001323543.2); c.866T>C, p.Val289Ala (NM_001323544.2); short protein forms V98A, V289A, V283A.
Identifiers: ClinVar variation 2156006 (VCV002156006.4), dbSNP rs2543530891, ClinGen allele CA397076128.

ClinVar aggregate classification (germline): Uncertain significance (1 of 4 stars; one submission).

Conditions:
Mucopolysaccharidosis, MPS-IV-A (MPS4A). Also called: Morquio syndrome A, mild; MORQUIO SYNDROME A; GALACTOSAMINE-6-SULFATASE DEFICIENCY; GALNS DEFICIENCY; MORQUIO A DISEASE; Mucopolysaccharidosis type IV A. Identifiers: Orphanet 309297, Orphanet 582, MedGen C0086651, MONDO:0009659, OMIM 253000.

Submission:

Labcorp Genetics (formerly Invitae), Labcorp
Classification: Uncertain significance for Mucopolysaccharidosis, MPS-IV-A. Last evaluated: 2022-08-09. Review status: criteria provided, single submitter. Criteria: Invitae Variant Classification Sherloc (09022015). Collection method: clinical testing. Allele origin: germline.
Comment: This variant is not present in population databases (gnomAD no frequency). This sequence change replaces valine, which is neutral and non-polar, with alanine, which is neutral and non-polar, at codon 283 of the GALNS protein (p.Val283Ala). This variant has not been reported in the literature in individuals affected with GALNS-related conditions. Advanced modeling of protein sequence and biophysical properties (such as structural, functional, and spatial information, amino acid conservation, physicochemical variation, residue mobility, and thermodynamic stability) performed at Invitae indicates that this missense variant is expected to disrupt GALNS protein function. In summary, the available evidence is currently insufficient to determine the role of this variant in disease. Therefore, it has been classified as a Variant of Uncertain Significance.